The following is an entry in ClinVar:

NM_001166108.2(PALLD):c.2856T>A (p.Ser952Arg)

Genes: CBR4 (carbonyl reductase 4; minus strand), PALLD (palladin, cytoskeletal associated protein; plus strand). Cytogenetic location: 4q32.3.
Variant type: single nucleotide variant.
Coding change: c.2856T>A on transcript NM_001166108.2 (MANE Select); coding-DNA position 2856, T replaced by A.
Protein change: p.Ser952Arg; replaces serine 952 with arginine.
Molecular consequence: missense variant.
Genome position (GRCh38, 1-based): chr4:168,921,539, T>A. VCF-style: chr4-168921539-T-A. GRCh37 (hg19) VCF-style: chr4-169842690-T-A.
Other names: c.1659T>A, p.Ser553Arg (NM_001166109.2); c.1344T>A, p.Ser448Arg (NM_001166110.2); c.684T>A, p.Ser228Arg (NM_001367567.1, NM_001367569.1); c.735T>A, p.Ser245Arg (NM_001367568.1, NM_001367570.1); c.2805T>A, p.Ser935Arg (NM_016081.4); short protein forms S228R, S245R, S448R, S553R, S935R, S952R.
Identifiers: ClinVar variation 4861564 (VCV004861564.1).
Genomic context (GRCh38, chr4:168,921,539, plus strand): 5'-GTGATTTCACTCTGTTTTAATACAAAAATTTACATGTATTTCTTTTATGATTTAGGTCAG[T>A]GGGTTACCAACCCCAGATCTAAGCTGGCAACTAGATGGAAAGCCCGTACGCCCTGACAGT-3'
Protein context (NP_001159580.1, residues 942-962): GKLCRMDCKV[Ser952Arg]GLPTPDLSWQ

ClinVar aggregate classification (germline): Uncertain significance (1 of 4 stars; one submission).

Submission:

Ambry Genetics
Classification: Uncertain significance. Last evaluated: 2026-05-30. Review status: criteria provided, single submitter. Criteria: Ambry Variant Classification Scheme 2023. Collection method: clinical testing. Allele origin: germline.
Comment: The p.S448R variant (also known as c.1344T>A), located in coding exon 8 of the PALLD gene, results from a T to A substitution at nucleotide position 1344. The serine at codon 448 is replaced by arginine, an amino acid with dissimilar properties. This amino acid position is conserved. In addition, this alteration is predicted to be deleterious by in silico analysis. Based on the available evidence, the clinical significance of this variant remains unclear.